The following is an entry in ClinVar:

ClinVar aggregate classification (germline): Conflicting classifications of pathogenicity. Review status: criteria provided, conflicting classifications (1 of 4 stars). 7 submissions from 7 submitters: Uncertain significance (6); Likely benign (1). Last evaluated 2026-02-17.

Conditions:
BARD1-related disorder. Also called: BARD1-related condition.
Hereditary cancer-predisposing syndrome. Also called: Neoplastic Syndromes, Hereditary; Tumor predisposition; Hereditary neoplastic syndrome; Hereditary Cancer Syndrome. Identifiers: Orphanet 140162, MedGen C0027672, MeSH D009386, MONDO:0015356.
Familial cancer of breast. Also called: Hereditary breast cancer; BREAST CANCER, FAMILIAL; hereditary breast carcinoma. Identifiers: Orphanet 227535, MedGen C0346153, MONDO:0016419, OMIM 114480. Disease mechanism: loss of function.

Allele frequency attached by ClinVar (database versions not stated): gnomAD 0.00001; TOPMed 0.00001.
gnomAD v4.1: 2 of 1,614,054 alleles (0.00012%); highest among the groups gnomAD compares: African/African-American, 0.0027%; no homozygotes.

Submissions (7):

PreventionGenetics, part of Exact Sciences
Classification: Uncertain significance for BARD1-related condition. Last evaluated: 2026-02-17. Review status: criteria provided, single submitter. Criteria: ACMG Guidelines, 2015. Collection method: clinical testing. Allele origin: germline.
Comment: The BARD1 c.2248G>A variant is predicted to result in the amino acid substitution p.Val750Ile. To our knowledge, this variant has not been reported in the literature or in a large population database (gnomAD), indicating this variant is rare. This variant has conflicting interpretations in ClinVar ranging from uncertain to likely benign (Variation ID: 182055). At this time, the clinical significance of this variant is uncertain due to the absence of conclusive functional and genetic evidence.

Labcorp Genetics (formerly Invitae), Labcorp
Classification: Uncertain significance for Familial cancer of breast. Last evaluated: 2026-01-27. Review status: criteria provided, single submitter. Criteria: Invitae Variant Classification Sherloc (09022015). Collection method: clinical testing. Allele origin: germline.
Comment: This sequence change replaces valine, which is neutral and non-polar, with isoleucine, which is neutral and non-polar, at codon 750 of the BARD1 protein (p.Val750Ile). This variant is not present in population databases (gnomAD no frequency). This variant has not been reported in the literature in individuals affected with BARD1-related conditions. ClinVar contains an entry for this variant (Variation ID: 182055). An algorithm developed to predict the effect of missense changes on protein structure and function outputs the following: PolyPhen-2: "Benign". The isoleucine amino acid residue is found in multiple mammalian species, which suggests that this missense change does not adversely affect protein function. In summary, the available evidence is currently insufficient to determine the role of this variant in disease. Therefore, it has been classified as a Variant of Uncertain Significance.

Color Diagnostics, LLC DBA Color Health
Classification: Uncertain significance for Hereditary cancer-predisposing syndrome. Last evaluated: 2024-03-07. Review status: criteria provided, single submitter. Criteria: ACMG Guidelines, 2015. Collection method: clinical testing. Allele origin: germline.
Comment: This missense variant replaces valine with isoleucine at codon 750 of the BARD1 protein. Computational prediction suggests that this variant may not impact protein structure and function (internally defined REVEL score threshold <= 0.5, PMID: 27666373). To our knowledge, functional studies have not been reported for this variant. This variant has not been reported in individuals affected with hereditary cancer in the literature. This variant has not been identified in the general population by the Genome Aggregation Database (gnomAD). The available evidence is insufficient to determine the role of this variant in disease conclusively. Therefore, this variant is classified as a Variant of Uncertain Significance.

Ambry Genetics
Classification: Likely benign for Hereditary cancer-predisposing syndrome. Last evaluated: 2024-02-26. Review status: criteria provided, single submitter. Criteria: Ambry Variant Classification Scheme 2023. Collection method: clinical testing. Allele origin: germline.

Baylor Genetics
Classification: Uncertain significance for Familial cancer of breast. Last evaluated: 2023-10-17. Review status: criteria provided, single submitter. Criteria: ACMG Guidelines, 2015. Collection method: clinical testing. Allele origin: unknown.

GeneDx
Classification: Uncertain significance. Last evaluated: 2021-06-01. Review status: criteria provided, single submitter. Criteria: GeneDx Variant Classification Process June 2021. Collection method: clinical testing. Allele origin: germline. Affected: yes.
Comment: Not observed at significant frequency in large population cohorts (Lek et al., 2016); In silico analysis supports that this missense variant does not alter protein structure/function; Has not been previously published as pathogenic or benign to our knowledge; This variant is associated with the following publications: (PMID: 27535533, 17550235)

Women's Health and Genetics/Laboratory Corporation of America, LabCorp
Classification: Uncertain significance. Last evaluated: 2017-06-16. Review status: criteria provided, single submitter. Criteria: LabCorp Variant Classification Summary - May 2015. Collection method: clinical testing. Allele origin: germline.
Comment: Variant summary: The BARD1 c.2248G>A (p.Val750Ile) variant involves the alteration of a non-conserved nucleotide. 3/4 in silico tools predict a benign outcome for this variant. This variant is absent in 121296 control chromosomes. In addition, multiple clinical diagnostic laboratories/reputable databases classified this variant as uncertain significance. The variant of interest has not, to our knowledge, been reported in affected individuals via publications nor evaluated for functional impact by in vivo/vitro studies. Because of the absence of clinical information and the lack of functional studies, the variant is classified as a variant of uncertain significance (VUS) until additional information becomes available.

NM_000465.4(BARD1):c.2248G>A (p.Val750Ile)

Gene: BARD1 (BRCA1 associated RING domain 1; minus strand). Cytogenetic location: 2q35.
Variant type: single nucleotide variant.
Coding change: c.2248G>A on transcript NM_000465.4 (MANE Select); coding-DNA position 2248, G replaced by A.
Protein change: p.Val750Ile; replaces valine 750 with isoleucine.
Molecular consequence: missense variant. On other transcripts: non-coding transcript variant (3).
Genome position (GRCh38, 1-based): chr2:214,728,762, C>T on the plus strand (G>A on the coding strand, the complement: BARD1 is on the minus strand). VCF-style: chr2-214728762-C-T. GRCh37 (hg19) VCF-style: chr2-215593486-C-T.
Other names: p.V750I:GTT>ATT; c.2191G>A, p.Val731Ile (NM_001282543.2); c.895G>A, p.Val299Ile (NM_001282545.2); c.838G>A, p.Val280Ile (NM_001282548.2); c.709G>A, p.Val237Ile (NM_001282549.2); short protein forms V750I, V237I, V299I, V731I, V280I.
Identifiers: ClinVar variation 182055 (VCV000182055.18), dbSNP rs34677017, ClinGen allele CA298482.
Genomic context (GRCh38, chr2:214,728,762, plus strand): 5'-AGGACATCACACAGTCTATAAACCAGCTCGAAGGAGCCTTCCAGACTTTGCCCTGCCGAA[C>T]CCTCTCTGGGTGATAATTACACAAATCTTCATAGATGATATACTGTGTGCAGAAGCGCTG-3'
Protein context (NP_000456.2, residues 740-760): EDLCNYHPER[Val750Ile]RQGKVWKAPS